The following is an entry in ClinVar:

NM_007294.4(BRCA1):c.3108dup (p.Lys1037Ter)

Gene: BRCA1 (BRCA1 DNA repair associated; minus strand). Cytogenetic location: 17q21.31.
Variant type: Duplication.
Coding change: c.3108dup on transcript NM_007294.4 (MANE Select); coding-DNA position 3108, one base duplicated (T; older notation c.3108dupT).
Protein change: p.Lys1037Ter; replaces lysine 1037 with a stop codon.
Molecular consequence: nonsense. On other transcripts: frameshift variant (1), intron variant (137).
Genome position (GRCh38, 1-based): chr17:43,092,423, A duplicated on the plus strand (T on the coding strand, the reverse complement: BRCA1 is on the minus strand); the first of 5 consecutive A bases (chr17:43,092,423-43,092,427); duplicating any one gives the same sequence. VCF-style (leftmost placement, unchanged base first): chr17-43092422-T-TA. GRCh37 (hg19) VCF-style: chr17-41244439-T-TA.
Other names: 3223insT; 3227insT; c.3108dupT (NM_007294.3); c.2967dup, p.Lys990Ter (NM_001407735.1, NM_001407736.1, NM_001407737.1 and 29 more transcripts); c.2964dup, p.Lys989Ter (NM_001407740.1, NM_001407741.1, NM_001407742.1 and 20 more transcripts); c.2895dup, p.Lys966Ter (NM_001407853.1, NM_001407894.1, NM_001407895.1 and 9 more transcripts); c.3108dup, p.Lys1037Ter (NM_001407854.1, NM_001407858.1, NM_001407859.1 and 30 more transcripts); c.3105dup, p.Lys1036Ter (NM_001407860.1, NM_001407861.1, NM_001407587.1 and 22 more transcripts); and 44 more; short protein forms K1037*, K990*, K910*, K925*, K966*, K967*, K996*, K1010*.
Identifiers: ClinVar variation 54772 (VCV000054772.27), dbSNP rs80357841, ClinGen allele CA002031.
Genomic context (GRCh38, chr17:43,092,422, plus strand): 5'-TGGAGCCCACTTCATTAGTACTGGAACCTACTTCATTAATATTGCTTGAGCTGGCTTCTT[T>TA]AAAAACATTTTCTCTAATGTTATTACGGCTAATTGTGCTCACTGTACTTGGAATGTTCTC-3'

ClinVar aggregate classification (germline): Pathogenic. Review status: reviewed by expert panel (3 of 4 stars). 12 submissions from 12 submitters: Pathogenic (1). 11 of the submissions do not count toward it. Last evaluated 2016-09-08.

Conditions:
Hereditary cancer-predisposing syndrome. Also called: Tumor predisposition; Neoplastic Syndromes, Hereditary; Hereditary Cancer Syndrome; Hereditary neoplastic syndrome. Identifiers: Orphanet 140162, MedGen C0027672, MeSH D009386, MONDO:0015356.
Ovarian neoplasm. Also called: Ovarian tumor; Neoplasm of ovary; Ovarian Neoplasms. Identifiers: MedGen C0919267, MeSH D010051, MONDO:0021068, HP:0100615.
Hereditary breast ovarian cancer syndrome. Also called: Hereditary breast and ovarian cancer syndrome (HBOC); Hereditary breast and ovarian cancer syndrome; Hereditary breast and ovarian cancer; Hereditary breast and/or ovarian cancer syndrome; Breast and ovarian cancer; BRCA1- and BRCA2-Associated Hereditary Breast and Ovarian Cancer. Identifiers: Orphanet 145, MedGen C0677776, MeSH D061325, MONDO:0003582. Disease mechanism: loss of function.
Breast-ovarian cancer, familial, susceptibility to, 1 (BROVCA1). Also called: OVARIAN CANCER, SUSCEPTIBILITY TO; BRCA1 Hereditary Breast and Ovarian Cancer. Identifiers: Orphanet 145, MedGen C2676676, MONDO:0011450, OMIM 604370. Disease mechanism: loss of function.

Submissions (12):

Evidence-based Network for the Interpretation of Germline Mutant Alleles (ENIGMA)
Classification: Pathogenic for Breast-ovarian cancer, familial, susceptibility to, 1. Last evaluated: 2016-09-08. Review status: reviewed by expert panel. Criteria: ENIGMA BRCA1/2 Classification Criteria (2015). Collection method: curation. Allele origin: germline.
Comment: Variant allele predicted to encode a truncated non-functional protein.

Ambry Genetics
Classification: Pathogenic for Hereditary cancer-predisposing syndrome. Last evaluated: 2024-06-03. Review status: criteria provided, single submitter. Criteria: Ambry Variant Classification Scheme 2023. Collection method: clinical testing. Allele origin: germline. Not counted in ClinVar's aggregate classification.
Comment: The c.3108dupT pathogenic mutation, located in coding exon 9 of the BRCA1 gene, results from a duplication of T at nucleotide position 3108, causing a translational frameshift with a predicted alternate stop codon (p.K1037*). This alteration was detected in 3/989 unrelated individuals from a cohort of German breast/ovarian cancer families. (Meindl A et al. Int. J. Cancer, 2002 Feb;97:472-80). This alteration was also identified in a large, worldwide study of BRCA1/2 mutation positive families (Rebbeck TR et al. Hum. Mutat., 2018 05;39:593-620). Of note, this alteration is also known as designated as 3228insT in published literature. In addition to the clinical data presented in the literature, this alteration is expected to result in loss of function by premature protein truncation or nonsense-mediated mRNA decay. As such, this alteration is interpreted as a disease-causing mutation.

Labcorp Genetics (formerly Invitae), Labcorp
Classification: Pathogenic for Hereditary breast ovarian cancer syndrome. Last evaluated: 2024-02-03. Review status: criteria provided, single submitter. Criteria: Invitae Variant Classification Sherloc (09022015). Collection method: clinical testing. Allele origin: germline. Not counted in ClinVar's aggregate classification.
Comment: This sequence change creates a premature translational stop signal (p.Lys1037*) in the BRCA1 gene. It is expected to result in an absent or disrupted protein product. Loss-of-function variants in BRCA1 are known to be pathogenic (PMID: 20104584). This variant is not present in population databases (gnomAD no frequency). This premature translational stop signal has been observed in individual(s) with hereditary breast and ovarian cancer syndrome (PMID: 11802209, 29446198). This variant is also known as 3228insT. ClinVar contains an entry for this variant (Variation ID: 54772). For these reasons, this variant has been classified as Pathogenic.

Quest Diagnostics Nichols Institute San Juan Capistrano
Classification: Pathogenic. Last evaluated: 2023-11-27. Review status: criteria provided, single submitter. Criteria: Quest Diagnostics criteria. Collection method: clinical testing. Allele origin: unknown. Not counted in ClinVar's aggregate classification.
Comment: The BRCA1 c.3108dup (p.Lys1037*) variant causes the premature termination of BRCA1 protein synthesis. This variant has been reported in the published literature in individuals and families with breast and/or ovarian cancer (PMIDs: 11802209 (2002), 29053726 (2017), 29446198 (2018), 33471991 (2021)). This variant has not been reported in large, multi-ethnic general populations (Genome Aggregation Database). Based on the available information, this variant is classified as pathogenic.

MGZ Medical Genetics Center
Classification: Pathogenic for Breast-ovarian cancer, familial, susceptibility to, 1. Last evaluated: 2022-03-09. Review status: criteria provided, single submitter. Criteria: ACMG Guidelines, 2015. Collection method: clinical testing. Allele origin: germline. Affected: yes. Observed: 1 variant allele. Not counted in ClinVar's aggregate classification.
Comment: ACMG criteria applied: PVS1, PS4_MOD, PM2_SUP

GeneDx
Classification: Pathogenic. Last evaluated: 2021-01-05. Review status: criteria provided, single submitter. Criteria: GeneDx Variant Classification Process June 2021. Collection method: clinical testing. Allele origin: germline. Affected: yes. Not counted in ClinVar's aggregate classification.
Comment: Nonsense variant predicted to result in protein truncation or nonsense mediated decay in a gene for which loss-of-function is a known mechanism of disease; Observed in individuals with a personal and/or family history consistent with Hereditary Breast and Ovarian Cancer syndrome (Meindl 2002, Rebbeck 2018); Truncating variants in this gene are considered pathogenic by a well-established clinical consortium and/or database; Not observed in large population cohorts (Lek 2016); Also known as 3227dupT; This variant is associated with the following publications: (PMID: 11802209, 29446198, 28152038)

Women's Health and Genetics/Laboratory Corporation of America, LabCorp
Classification: Pathogenic for Hereditary breast and ovarian cancer syndrome. Last evaluated: 2018-10-29. Review status: criteria provided, single submitter. Criteria: LabCorp Variant Classification Summary - May 2015. Collection method: clinical testing. Allele origin: germline. Not counted in ClinVar's aggregate classification.
Comment: Variant summary: BRCA1 c.3108dupT (p.Lys1037X) results in a premature termination codon, predicted to cause a truncation of the encoded protein or absence of the protein due to nonsense mediated decay, which are commonly known mechanisms for disease. The variant was absent in 245844 control chromosomes (gnomAD). c.3108dupT has been reported in the literature in individuals affected with Hereditary Breast and Ovarian Cancer (Meindl_2002, Rebbeck_2018). These data indicate that the variant is likely to be associated with disease. To our knowledge, no experimental evidence demonstrating an impact on protein function has been reported. Three ClinVar submissions from clinical diagnostic laboratories (evaluation after 2014) cite the variant as pathogenic. Based on the evidence outlined above, the variant was classified as pathogenic.

Consortium of Investigators of Modifiers of BRCA1/2 (CIMBA), c/o University of Cambridge
Classification: Pathogenic for Breast-ovarian cancer, familial, susceptibility to, 1. Last evaluated: 2015-10-02. Review status: criteria provided, single submitter. Criteria: CIMBA Mutation Classification guidelines May 2016. Collection method: clinical testing. Allele origin: germline. Not counted in ClinVar's aggregate classification.

German Consortium for Hereditary Breast and Ovarian Cancer, University Hospital Cologne
Classification: Pathogenic for Ovarian neoplasm. Last evaluated: 2018-12-01. Review status: no assertion criteria provided. Collection method: research. Allele origin: germline. Affected: yes. Not counted in ClinVar's aggregate classification.

Research Molecular Genetics Laboratory, Women's College Hospital, University of Toronto
Classification: Pathogenic for Hereditary breast ovarian cancer syndrome. Last evaluated: 2014-01-31. Review status: no assertion criteria provided. Collection method: research. Allele origin: germline. Affected: yes. Study: The Canadian Open Genetics Repository (COGR). Not counted in ClinVar's aggregate classification.

Sharing Clinical Reports Project (SCRP)
Classification: Pathogenic for Breast-ovarian cancer, familial 1. Last evaluated: 2009-11-23. Review status: no assertion criteria provided. Collection method: clinical testing. Allele origin: germline. Not counted in ClinVar's aggregate classification.

Breast Cancer Information Core (BIC) (BRCA1)
Classification: Pathogenic for Breast-ovarian cancer, familial 1. Last evaluated: 2005-05-17. Review status: no assertion criteria provided. Collection method: clinical testing. Allele origin: germline. Affected: yes. Observed: 1 variant allele. Not counted in ClinVar's aggregate classification.

Literature cited by the submitters: PubMed 11802209 (cited by 4 submitters); PubMed 29446198 (cited by 4 submitters); PubMed 20104584 (cited by Labcorp Genetics (formerly Invitae), Labcorp); PubMed 33471991 (cited by Quest Diagnostics Nichols Institute San Juan Capistrano); PubMed 29053726 (cited by Quest Diagnostics Nichols Institute San Juan Capistrano); PubMed 30702160 (cited by Quest Diagnostics Nichols Institute San Juan Capistrano).